The following is an entry in ClinVar:

NM_005235.3(ERBB4):c.2488-10T>C

Gene: ERBB4 (erb-b2 receptor tyrosine kinase 4; minus strand). Cytogenetic location: 2q34.
Variant type: single nucleotide variant.
Coding change: c.2488-10T>C on transcript NM_005235.3 (MANE Select); 10 bases into the intron before coding-DNA position 2488, T replaced by C.
Molecular consequence: intron variant.
Genome position (GRCh38, 1-based): chr2:211,431,110, A>G on the plus strand (T>C on the coding strand, the complement: ERBB4 is on the minus strand). VCF-style: chr2-211431110-A-G. GRCh37 (hg19) VCF-style: chr2-212295835-A-G.
Other names: c.2488-10T>C (NM_001042599.2); c.2458-10T>C (NM_001439006.1, NM_001439005.1).
Identifiers: ClinVar variation 1646365 (VCV001646365.10), dbSNP rs573759866, ClinGen allele CA2087712.

ClinVar aggregate classification (germline): Benign. Review status: criteria provided, single submitter (1 of 4 stars). 2 submissions from 2 submitters: Benign (1). 1 of the submissions does not count toward it. Last evaluated 2025-12-19.

Conditions:
ERBB4-related disorder. Also called: ERBB4-related condition.

Allele frequency attached by ClinVar (database versions not stated): gnomAD 0.00004 and 0.00014; TOPMed 0.00006; gnomAD exomes 0.00015 and 0.00032; ExAC 0.00033; 1000 Genomes Project 30x 0.00047; 1000 Genomes Project 0.00060.
gnomAD v4.1: 234 of 1,612,690 alleles (0.015%); highest among the groups gnomAD compares: South Asian, 0.19%; 1 homozygote.

Submissions (2):

Labcorp Genetics (formerly Invitae), Labcorp
Classification: Benign. Last evaluated: 2025-12-19. Review status: criteria provided, single submitter. Criteria: Invitae Variant Classification Sherloc (09022015). Collection method: clinical testing. Allele origin: germline.

PreventionGenetics, part of Exact Sciences
Classification: Likely benign for ERBB4-related condition. Last evaluated: 2023-10-10. Review status: no assertion criteria provided. Collection method: clinical testing. Allele origin: germline. Not counted in ClinVar's aggregate classification.
Comment: This variant is classified as likely benign based on ACMG/AMP sequence variant interpretation guidelines (Richards et al. 2015 PMID: 25741868, with internal and published modifications).